The following is an entry in ClinVar:

ClinVar aggregate classification (germline): Uncertain significance. Review status: criteria provided, single submitter (1 of 4 stars). 2 submissions from 2 submitters: Uncertain significance (1). 1 of the submissions does not count toward it. Last evaluated 2022-11-21.

Conditions:
Hereditary cancer-predisposing syndrome. Also called: Hereditary Cancer Syndrome; Hereditary neoplastic syndrome; Tumor predisposition; Neoplastic Syndromes, Hereditary. Identifiers: Orphanet 140162, MedGen C0027672, MeSH D009386, MONDO:0015356.
Bloom syndrome (BLM). Also called: Bloom-Torre-Machacek syndrome. Identifiers: Orphanet 125, MedGen C0005859, MONDO:0008876, OMIM 210900.

Submissions (2):

Ambry Genetics
Classification: Uncertain significance for Hereditary cancer-predisposing syndrome. Last evaluated: 2022-11-21. Review status: criteria provided, single submitter. Criteria: Ambry Variant Classification Scheme 2023. Collection method: clinical testing. Allele origin: germline.
Comment: The c.1634_1639delGAGAAA variant (also known as p.R545_E546del) is located in coding exon 6 of the BLM gene. This variant results from an in-frame GAGAAA deletion at nucleotide positions 1634 to 1639. This results in the in-frame deletion of 2 amino acids (RE) at codons 545 to 546. These amino acid positions are not well conserved in available vertebrate species. In addition, the in silico prediction for this alteration is inconclusive (Choi Y et al. PLoS ONE. 2012; 7(10):e46688). Since supporting evidence is limited at this time, the clinical significance of this alteration remains unclear.

Counsyl
Classification: Uncertain significance for Bloom syndrome. Last evaluated: 2017-03-22. Review status: no assertion criteria provided. Collection method: clinical testing. Allele origin: unknown. Not counted in ClinVar's aggregate classification.

NM_000057.4(BLM):c.1634_1639del (p.Arg545_Glu546del)

Gene: BLM (BLM RecQ like helicase; plus strand). Cytogenetic location: 15q26.1.
Variant type: Deletion.
Coding change: c.1634_1639del on transcript NM_000057.4 (MANE Select); coding-DNA positions 1634 to 1639, 6 bases deleted (GAGAAA; older notation c.1634_1639delGAGAAA).
Protein change: p.Arg545_Glu546del.
Molecular consequence: inframe deletion.
Genome position (GRCh38, 1-based): chr15:90,761,007-90,761,012, GAGAAA deleted; deleting any 6 consecutive bases within chr15:90,761,002-90,761,012 gives the same sequence; the c. name uses the placement nearest the transcript's 3' end. VCF-style (leftmost placement, unchanged base first): chr15-90761001-TAGAAAG-T. GRCh37 (hg19) VCF-style: chr15-91304231-TAGAAAG-T.
Other names: c.1634_1639del, p.Arg545_Glu546del (NM_001287246.2, NM_001287247.2); c.509_514del, p.Arg170_Glu171del (NM_001287248.2); c.1634_1639delGAGAAA (NM_000057.2).
Identifiers: ClinVar variation 550976 (VCV000550976.4), dbSNP rs1555419934, ClinGen allele CA658824615.
Genomic context (GRCh38, chr15:90,761,001, plus strand): 5'-ATGTTCTCACAAGCACTGCTGTGAAAGATCAGAATAAACATACTGCTTCAATAAATGACT[TAGAAAG>T]AGAAACCCAACCTTCCTATGATATTGATAATTTTGACATAGATGACTTTGATGATGATGA-3'